The following is an entry in ClinVar:

ClinVar aggregate classification (germline): Conflicting classifications of pathogenicity. Review status: criteria provided, conflicting classifications (1 of 4 stars). 7 submissions from 7 submitters: Uncertain significance (4); Likely benign (2). 1 of the submissions does not count toward it. Last evaluated 2026-03-01.

Conditions:
Pheochromocytoma. Also called: MAX-Related Hereditary Paraganglioma-Pheochromocytoma Syndrome. Identifiers: Orphanet 29072, MedGen C0031511, MONDO:0008233, OMIM 171300, HP:0002666.
Hirschsprung disease, susceptibility to, 1 (HSCR1). Also called: RET-Related Hirschsprung Disease. Identifiers: Orphanet 388, MedGen C3888239, MONDO:0007723, OMIM 142623.
Familial medullary thyroid carcinoma (MTC). Also called: Thyroid cancer, familial medullary; MTC, familial; Familial Medullary Thyroid Carcinoma (FMTC). Identifiers: Orphanet 653, Orphanet 99361, MedGen C1833921, MONDO:0007958, OMIM 155240.
Multiple endocrine neoplasia type 2B. Also called: WAGENMANN-FROBOESE SYNDROME; MULTIPLE ENDOCRINE NEOPLASIA, TYPE III; MEN 2B; MUCOSAL NEUROMA SYNDROME; MULTIPLE ENDOCRINE NEOPLASIA, TYPE IIB; MEN IIB. Identifiers: Orphanet 247709, Orphanet 653, MedGen C0025269, MeSH D018814, MONDO:0008082, OMIM 162300.
Multiple endocrine neoplasia type 2A. Also called: MULTIPLE ENDOCRINE NEOPLASIA, TYPE IIA; PTC SYNDROME; SIPPLE SYNDROME; MEN 2A; MEN-2A syndrome; Pheochromocytoma and amyloid producing medullary thyroid carcinoma. Identifiers: Orphanet 247698, Orphanet 653, MedGen C0025268, MeSH D018813, MONDO:0008234, OMIM 171400.
RET-related disorder. Also called: RET-related disorders; RET-related condition; RET-related disease.
Hereditary cancer-predisposing syndrome. Also called: Tumor predisposition; Hereditary neoplastic syndrome; Neoplastic Syndromes, Hereditary; Hereditary Cancer Syndrome. Identifiers: Orphanet 140162, MedGen C0027672, MeSH D009386, MONDO:0015356.
Multiple endocrine neoplasia, type 2 (MEN2). Identifiers: Orphanet 653, MedGen C4048306, MONDO:0019003. Disease mechanism: gain of function.

Allele frequency attached by ClinVar (database versions not stated): gnomAD exomes 0.00003 and 0.00005; TOPMed 0.00045; gnomAD 0.00048 and 0.00049; 1000 Genomes Project 30x 0.00078.
gnomAD v4.1: 113 of 1,503,030 alleles (0.0075%); highest among the groups gnomAD compares: African/African-American, 0.15%; no homozygotes.

Submissions (7):

CeGaT Center for Human Genetics Tuebingen
Classification: Likely benign. Last evaluated: 2026-03-01. Review status: criteria provided, single submitter. Criteria: CeGaT Center For Human Genetics Tuebingen Variant Classification Criteria Version 2. Collection method: clinical testing. Allele origin: germline. Affected: yes. Observed: 1 variant allele.
Comment: RET: BP4, BS1

Color Diagnostics, LLC DBA Color Health
Classification: Uncertain significance for Multiple endocrine neoplasia, type 2. Last evaluated: 2023-12-14. Review status: criteria provided, single submitter. Criteria: ACMG Guidelines, 2015. Collection method: clinical testing. Allele origin: germline.
Comment: This variant causes a C to A nucleotide substitution at the -2 position in the 5' untranslated region in the RET protein. To our knowledge, functional studies have not been reported for this variant. This variant has not been reported in individuals affected with RET-related disorders in the literature. This variant has been identified in 19/135532 chromosomes in the general population by the Genome Aggregation Database (gnomAD). The available evidence is insufficient to determine the role of this variant in disease conclusively. Therefore, this variant is classified as a Variant of Uncertain Significance.

Ambry Genetics
Classification: Likely benign for Hereditary cancer-predisposing syndrome. Last evaluated: 2022-05-06. Review status: criteria provided, single submitter. Criteria: Ambry Variant Classification Scheme 2023. Collection method: clinical testing. Allele origin: germline.

Fulgent Genetics
Classification: Uncertain significance for Hirschsprung disease, susceptibility to, 1; Familial medullary thyroid carcinoma; Multiple endocrine neoplasia type 2B; Pheochromocytoma; Multiple endocrine neoplasia type 2A. Last evaluated: 2022-04-27. Review status: criteria provided, single submitter. Criteria: ACMG Guidelines, 2015. Collection method: clinical testing. Allele origin: unknown.

GeneDx
Classification: Uncertain significance. Last evaluated: 2019-08-06. Review status: criteria provided, single submitter. Criteria: GeneDx Variant Classification Process June 2021. Collection method: clinical testing. Allele origin: germline. Affected: yes.
Comment: Nucleotide substitution 2 base pairs upstream of the ATG translational start site in the 5' untranslated region (UTR); Nucleotide substitution has no predicted effect on splicing and is not conserved across species; Has not been previously published as pathogenic or benign to our knowledge

Laboratory for Molecular Medicine, Mass General Brigham Personalized Medicine
Classification: Uncertain significance. Last evaluated: 2016-01-06. Review status: criteria provided, single submitter. Criteria: LMM Criteria. Collection method: clinical testing. Allele origin: germline. Observed: 1 variant allele.
Comment: The c.-2C>A variant in RET has not been previously reported in individuals with pulmonary disease and data from large population studies is insufficient to asse ss the frequency of this variant. Computational prediction tools and conservatio n analysis are limited or unavailable for this variant. This variant is located in the 5' UTR and is part of the translation initiation (Kozak) sequence, but it s effect on translation is unknown. In summary, the clinical significance of the c.-2C>A variant is uncertain.

PreventionGenetics, part of Exact Sciences
Classification: Likely benign for RET-related condition. Last evaluated: 2023-09-18. Review status: no assertion criteria provided. Collection method: clinical testing. Allele origin: germline. Not counted in ClinVar's aggregate classification.
Comment: This variant is classified as likely benign based on ACMG/AMP sequence variant interpretation guidelines (Richards et al. 2015 PMID: 25741868, with internal and published modifications).

NM_020975.6(RET):c.-2C>A

Genes: RET (ret proto-oncogene; plus strand), LOC106736614 (RET 5' regulatory region; plus strand). Cytogenetic location: 10q11.21.
Variant type: single nucleotide variant.
Coding change: c.-2C>A on transcript NM_020975.6 (MANE Select); 2 bases upstream of the start codon, C replaced by A.
Molecular consequence: 5 prime UTR variant.
Genome position (GRCh38, 1-based): chr10:43,077,257, C>A. VCF-style: chr10-43077257-C-A. GRCh37 (hg19) VCF-style: chr10-43572705-C-A.
Other names: c.-2C>A (NM_000323.2, NM_001406743.1, NM_001406744.1 and 38 more transcripts).
Identifiers: ClinVar variation 229201 (VCV000229201.21), dbSNP rs876657980, ClinGen allele CA10576788.